The following is an entry in ClinVar:

NM_003480.4(MFAP5):c.184T>A (p.Leu62Met)

Gene: MFAP5 (microfibril associated protein 5; minus strand). Cytogenetic location: 12p13.31.
Variant type: single nucleotide variant.
Coding change: c.184T>A on transcript NM_003480.4 (MANE Select); coding-DNA position 184, T replaced by A.
Protein change: p.Leu62Met; replaces leucine 62 with methionine.
Molecular consequence: missense variant. On other transcripts: non-coding transcript variant (2), intron variant (1).
Genome position (GRCh38, 1-based): chr12:8,654,470, A>T on the plus strand (T>A on the coding strand, the complement: MFAP5 is on the minus strand). VCF-style: chr12-8654470-A-T. GRCh37 (hg19) VCF-style: chr12-8807066-A-T.
Other names: c.184T>A, p.Leu62Met (NM_001297709.2, NM_001297712.2); c.148T>A, p.Leu50Met (NM_001297710.2); c.172+945T>A (NM_001297711.2); short protein forms L50M, L62M.
Identifiers: ClinVar variation 2011130 (VCV002011130.4), dbSNP rs2540297265, ClinGen allele CA384039349.

ClinVar aggregate classification (germline): Uncertain significance (1 of 4 stars; one submission).

Submission:

Labcorp Genetics (formerly Invitae), Labcorp
Classification: Uncertain significance. Last evaluated: 2022-06-26. Review status: criteria provided, single submitter. Criteria: Invitae Variant Classification Sherloc (09022015). Collection method: clinical testing. Allele origin: germline.
Comment: Algorithms developed to predict the effect of missense changes on protein structure and function are either unavailable or do not agree on the potential impact of this missense change (SIFT: "Deleterious"; PolyPhen-2: "Probably Damaging"; Align-GVGD: "Class C0"). In summary, the available evidence is currently insufficient to determine the role of this variant in disease. Therefore, it has been classified as a Variant of Uncertain Significance. This variant has not been reported in the literature in individuals affected with MFAP5-related conditions. This variant is not present in population databases (gnomAD no frequency). This sequence change replaces leucine, which is neutral and non-polar, with methionine, which is neutral and non-polar, at codon 62 of the MFAP5 protein (p.Leu62Met).